The following is an entry in ClinVar:

ClinVar aggregate classification (germline): Likely benign. Review status: criteria provided, multiple submitters, no conflicts (2 of 4 stars). 3 submissions from 3 submitters: Likely benign (3). Last evaluated 2025-12-22.

Conditions:
CNNM4-related disorder. Also called: CNNM4-related condition.

Allele frequency attached by ClinVar (database versions not stated): gnomAD exomes 0.00001 and 0.00002; ExAC 0.00002; TOPMed 0.00012; gnomAD 0.00015 and 0.00016.
gnomAD v4.1: 40 of 1,614,084 alleles (0.0025%); highest among the groups gnomAD compares: African/African-American, 0.052%; no homozygotes.

Submissions (3):

Labcorp Genetics (formerly Invitae), Labcorp
Classification: Likely benign. Last evaluated: 2025-12-22. Review status: criteria provided, single submitter. Criteria: Invitae Variant Classification Sherloc (09022015). Collection method: clinical testing. Allele origin: germline.

PreventionGenetics, part of Exact Sciences
Classification: Likely benign for CNNM4-related condition. Last evaluated: 2025-03-03. Review status: criteria provided, single submitter. Criteria: ACMG Guidelines, 2015. Collection method: clinical testing. Allele origin: germline.
Comment: This variant is classified as likely benign based on ACMG/AMP sequence variant interpretation guidelines (Richards et al. 2015 PMID: 25741868, with internal and published modifications).

Blueprint Genetics
Classification: Likely benign. Last evaluated: 2024-03-09. Review status: criteria provided, single submitter. Criteria: ACMG Guidelines, 2015. Collection method: clinical testing. Allele origin: germline.

NM_020184.4(CNNM4):c.1287T>C (p.Phe429=)

Gene: CNNM4 (cyclin and CBS domain divalent metal cation transport mediator 4; plus strand). Cytogenetic location: 2q11.2.
Variant type: single nucleotide variant.
Coding change: c.1287T>C on transcript NM_020184.4 (MANE Select); coding-DNA position 1287, T replaced by C.
Protein change: p.Phe429=; no amino-acid change (phenylalanine 429 retained).
Molecular consequence: synonymous variant.
Genome position (GRCh38, 1-based): chr2:96,762,286, T>C. VCF-style: chr2-96762286-T-C. GRCh37 (hg19) VCF-style: chr2-97428023-T-C.
Other names: c.1287T>C (NM_020184.3).
Identifiers: ClinVar variation 1091160 (VCV001091160.11), dbSNP rs757381861, ClinGen allele CA1783316.